The following is an entry in ClinVar:

NM_006904.7(PRKDC):c.1424T>C (p.Leu475Pro)

Gene: PRKDC (protein kinase, DNA-activated, catalytic subunit; minus strand). Cytogenetic location: 8q11.21.
Variant type: single nucleotide variant.
Coding change: c.1424T>C on transcript NM_006904.7 (MANE Select); coding-DNA position 1424, T replaced by C.
Protein change: p.Leu475Pro; replaces leucine 475 with proline.
Molecular consequence: missense variant.
Genome position (GRCh38, 1-based): chr8:47,935,755, A>G on the plus strand (T>C on the coding strand, the complement: PRKDC is on the minus strand). VCF-style: chr8-47935755-A-G. GRCh37 (hg19) VCF-style: chr8-48848315-A-G.
Other names: c.1424T>C (NM_006904.6); c.1424T>C, p.Leu475Pro (NM_001081640.2); short protein forms L475P.
Identifiers: ClinVar variation 1488009 (VCV001488009.7), dbSNP rs2154503775, ClinGen allele CA371165705.
Genomic context (GRCh38, chr8:47,935,755, plus strand): 5'-CATCATTACTCATAAATACAATAAATTGCAAACTTACCCACAGTACTAATGCAATTCCTG[A>G]GAACTGGCCCTTTTGCTGCCAAAGCTAGGAACACCTTCACTATGGCTCTGCAACACACCA-3'
Protein context (NP_008835.5, residues 465-485): FLALAAKGPV[Leu475Pro]RNCISTVVHQ

ClinVar aggregate classification (germline): Uncertain significance. Review status: criteria provided, multiple submitters, no conflicts (2 of 4 stars). 2 submissions from 2 submitters: Uncertain significance (2). Last evaluated 2022-01-27.

Conditions:
Severe combined immunodeficiency due to DNA-PKcs deficiency. Also called: IMMUNODEFICIENCY 26 WITH NEUROLOGIC ABNORMALITIES; Immunodeficiency 26 with or without neurologic abnormalities. Identifiers: Orphanet 317425, MedGen C4014833, MONDO:0014423, OMIM 615966.

Submissions (2):

Labcorp Genetics (formerly Invitae), Labcorp
Classification: Uncertain significance for Severe combined immunodeficiency due to DNA-PKcs deficiency. Last evaluated: 2022-01-27. Review status: criteria provided, single submitter. Criteria: Invitae Variant Classification Sherloc (09022015). Collection method: clinical testing. Allele origin: germline.
Comment: This sequence change replaces leucine with proline at codon 475 of the PRKDC protein (p.Leu475Pro). The leucine residue is highly conserved and there is a moderate physicochemical difference between leucine and proline. This variant is not present in population databases (gnomAD no frequency). This variant has not been reported in the literature in individuals affected with PRKDC-related conditions. Experimental studies and prediction algorithms are not available or were not evaluated, and the functional significance of this variant is currently unknown. In summary, the available evidence is currently insufficient to determine the role of this variant in disease. Therefore, it has been classified as a Variant of Uncertain Significance.

Ambry Genetics
Classification: Uncertain significance. Last evaluated: 2021-10-21. Review status: criteria provided, single submitter. Criteria: Ambry Variant Classification Scheme 2023. Collection method: clinical testing. Allele origin: germline.